The following is an entry in ClinVar:

ClinVar aggregate classification (germline): Conflicting classifications of pathogenicity. Review status: criteria provided, conflicting classifications (1 of 4 stars). 5 submissions from 5 submitters: Uncertain significance (1); Benign (1); Likely benign (2). 1 of the submissions does not count toward it. Last evaluated 2026-01-28.

Conditions:
ZFYVE26-related disorder. Also called: ZFYVE26-related condition.
Spastic paraplegia. Identifiers: MedGen C0037772, HP:0001258.
Hereditary spastic paraplegia. Also called: Familial spastic paraparesis. Identifiers: Orphanet 685, MedGen C0037773, MONDO:0019064. Disease mechanism: loss of function.
Hereditary spastic paraplegia 15 (SPG15). Also called: KJELLIN SYNDROME; SPASTIC PARAPLEGIA 15, AUTOSOMAL RECESSIVE; SPASTIC PARAPLEGIA AND RETINAL DEGENERATION. Identifiers: Orphanet 100996, MedGen C1849128, MONDO:0010044, OMIM 270700.

Allele frequency attached by ClinVar (database versions not stated): gnomAD 0.00008 and 0.00014; TOPMed 0.00008; 1000 Genomes Project 30x 0.00016; 1000 Genomes Project 0.00020; gnomAD exomes 0.00021 and 0.00044; ExAC 0.00056.
gnomAD v4.1: 333 of 1,614,236 alleles (0.021%); highest among the groups gnomAD compares: South Asian, 0.31%; 6 homozygotes.

Submissions (5):

Labcorp Genetics (formerly Invitae), Labcorp
Classification: Benign for Spastic paraplegia. Last evaluated: 2026-01-28. Review status: criteria provided, single submitter. Criteria: Invitae Variant Classification Sherloc (09022015). Collection method: clinical testing. Allele origin: germline.

CeGaT Center for Human Genetics Tuebingen
Classification: Likely benign. Last evaluated: 2022-03-01. Review status: criteria provided, single submitter. Criteria: CeGaT Center For Human Genetics Tuebingen Variant Classification Criteria Version 2. Collection method: clinical testing. Allele origin: germline. Affected: yes. Observed: 1 variant allele.
Comment: ZFYVE26: BP4

Illumina Laboratory Services, Illumina
Classification: Uncertain significance for Hereditary spastic paraplegia 15. Last evaluated: 2018-01-12. Review status: criteria provided, single submitter. Criteria: ICSL Variant Classification Criteria 13 December 2019. Collection method: clinical testing. Allele origin: germline.

Genome Diagnostics Laboratory, The Hospital for Sick Children
Classification: Likely benign for Hereditary spastic paraplegia. Last evaluated: 2016-12-12. Review status: criteria provided, single submitter. Criteria: ACMG Guidelines, 2015. Collection method: clinical testing. Allele origin: germline. Affected: yes.

PreventionGenetics, part of Exact Sciences
Classification: Likely benign for ZFYVE26-related condition. Last evaluated: 2024-07-25. Review status: no assertion criteria provided. Collection method: clinical testing. Allele origin: germline. Not counted in ClinVar's aggregate classification.
Comment: This variant is classified as likely benign based on ACMG/AMP sequence variant interpretation guidelines (Richards et al. 2015 PMID: 25741868, with internal and published modifications).

NM_015346.4(ZFYVE26):c.4324G>A (p.Asp1442Asn)

Gene: ZFYVE26 (zinc finger FYVE-type containing 26; minus strand). Cytogenetic location: 14q24.1.
Variant type: single nucleotide variant.
Coding change: c.4324G>A on transcript NM_015346.4 (MANE Select); coding-DNA position 4324, G replaced by A.
Protein change: p.Asp1442Asn; replaces aspartic acid 1442 with asparagine.
Molecular consequence: missense variant.
Genome position (GRCh38, 1-based): chr14:67,782,828, C>T on the plus strand (G>A on the coding strand, the complement: ZFYVE26 is on the minus strand). VCF-style: chr14-67782828-C-T. GRCh37 (hg19) VCF-style: chr14-68249545-C-T.
Other names: short protein forms D1442N.
Identifiers: ClinVar variation 215889 (VCV000215889.43), dbSNP rs534497092, ClinGen allele CA337036.
Genomic context (GRCh38, chr14:67,782,828, plus strand): 5'-CATTCTGCTCACCACATGCCACAGCACAGCTCAGGACTGCATCCTTTATGCTGCTCAAAT[C>T]GTCCACATCTCGCCCGTACACTTCAGTGAGCTGAAGGGCCCGGGACCAATCTCTGGCCAC-3'
Protein context (NP_056161.2, residues 1432-1452): LTEVYGRDVD[Asp1442Asn]LSSIKDAVLS